The following is an entry in ClinVar:

ClinVar aggregate classification (germline): Uncertain significance. Review status: criteria provided, multiple submitters, no conflicts (2 of 4 stars). 2 submissions from 2 submitters: Uncertain significance (2). Last evaluated 2025-12-17.

Conditions:
Neuromuscular disease caused by qualitative or quantitative defects of dysferlin. Also called: Dysferlinopathy; Qualitative or quantitative defects of dysferlin. Identifiers: Orphanet 207073, MedGen C2931687, MONDO:0016145.

Submissions (2):

Labcorp Genetics (formerly Invitae), Labcorp
Classification: Uncertain significance for Neuromuscular disease caused by qualitative or quantitative defects of dysferlin. Last evaluated: 2025-12-17. Review status: criteria provided, single submitter. Criteria: Invitae Variant Classification Sherloc (09022015). Collection method: clinical testing. Allele origin: germline.
Comment: This sequence change replaces aspartic acid, which is acidic and polar, with isoleucine, which is neutral and non-polar, at codon 304 of the DYSF protein (p.Asp304Ile). This variant is present in population databases (no rsID available, gnomAD 0.003%). This variant has not been reported in the literature in individuals affected with DYSF-related conditions. ClinVar contains an entry for this variant (Variation ID: 286744). An algorithm developed to predict the effect of missense changes on protein structure and function (PolyPhen-2) suggests that this variant is likely to be disruptive. In summary, the available evidence is currently insufficient to determine the role of this variant in disease. Therefore, it has been classified as a Variant of Uncertain Significance.

Eurofins Ntd Llc (ga)
Classification: Uncertain significance. Last evaluated: 2016-03-23. Review status: criteria provided, single submitter. Criteria: EGL Classification Definitions 2015. Collection method: clinical testing. Allele origin: germline. Observed: 1 variant allele, 1 heterozygote.

NM_001130987.2(DYSF):c.1006_1007delinsAT (p.Asp336Ile)

Gene: DYSF (dysferlin; plus strand). Cytogenetic location: 2p13.2.
Variant type: Indel.
Coding change: c.1006_1007delinsAT on transcript NM_001130987.2 (MANE Select); coding-DNA positions 1006 to 1007, GA replaced by AT.
Protein change: p.Asp336Ile; replaces aspartic acid 336 with isoleucine.
Molecular consequence: missense variant.
Genome position (GRCh38, 1-based): chr2:71,520,181-71,520,182, GA replaced by AT. VCF-style: chr2-71520181-GA-AT. GRCh37 (hg19) VCF-style: chr2-71747311-GA-AT.
Other names: c.913_914delinsAT, p.Asp305Ile (NM_001130455.2, NM_001130983.2, NM_001130984.2 and 1 more transcripts); c.910_911delinsAT, p.Asp304Ile (NM_001130976.2, NM_001130977.2, NM_001130978.2 and 1 more transcripts); c.1003_1004delinsAT, p.Asp335Ile (NM_001130979.2, NM_001130980.2, NM_001130981.2); c.1006_1007delinsAT, p.Asp336Ile (NM_001130982.2, NM_001130985.2); short protein forms D304I, D335I, D336I, D305I.
Identifiers: ClinVar variation 286744 (VCV000286744.7), dbSNP rs886043469, ClinGen allele CA10605556.